The following is an entry in ClinVar:

ClinVar aggregate classification (germline): Uncertain significance. Review status: criteria provided, multiple submitters, no conflicts (2 of 4 stars). 2 submissions from 2 submitters: Uncertain significance (2). Last evaluated 2023-09-25.

Allele frequency attached by ClinVar (database versions not stated): gnomAD 0.00001; TOPMed 0.00001.
gnomAD v4.1: 15 of 1,613,822 alleles (0.00093%); highest among the groups gnomAD compares: East Asian, 0.0022%; no homozygotes.

Submissions (2):

Labcorp Genetics (formerly Invitae), Labcorp
Classification: Uncertain significance. Last evaluated: 2023-09-25. Review status: criteria provided, single submitter. Criteria: Invitae Variant Classification Sherloc (09022015). Collection method: clinical testing. Allele origin: germline.
Comment: This sequence change replaces threonine, which is neutral and polar, with methionine, which is neutral and non-polar, at codon 170 of the NEK2 protein (p.Thr170Met). This variant is present in population databases (no rsID available, gnomAD 0.0009%). This variant has not been reported in the literature in individuals affected with NEK2-related conditions. ClinVar contains an entry for this variant (Variation ID: 1385481). An algorithm developed to predict the effect of missense changes on protein structure and function (PolyPhen-2) suggests that this variant is likely to be disruptive. In summary, the available evidence is currently insufficient to determine the role of this variant in disease. Therefore, it has been classified as a Variant of Uncertain Significance.

Blueprint Genetics
Classification: Uncertain significance. Last evaluated: 2022-03-21. Review status: criteria provided, single submitter. Criteria: ACMG Guidelines, 2015. Collection method: clinical testing. Allele origin: germline.

NM_002497.4(NEK2):c.509C>T (p.Thr170Met)

Gene: NEK2 (NIMA related kinase 2; minus strand). Cytogenetic location: 1q32.3.
Variant type: single nucleotide variant.
Coding change: c.509C>T on transcript NM_002497.4 (MANE Select); coding-DNA position 509, C replaced by T.
Protein change: p.Thr170Met; replaces threonine 170 with methionine.
Molecular consequence: missense variant.
Genome position (GRCh38, 1-based): chr1:211,673,529, G>A on the plus strand (C>T on the coding strand, the complement: NEK2 is on the minus strand). VCF-style: chr1-211673529-G-A. GRCh37 (hg19) VCF-style: chr1-211846871-G-A.
Other names: c.509C>T, p.Thr170Met (NM_001204182.2, NM_001204183.2); short protein forms T170M.
Identifiers: ClinVar variation 1385481 (VCV001385481.9), dbSNP rs759517583, ClinGen allele CA344783431.